The following is an entry in ClinVar:

NM_021620.4(PRDM13):c.421T>A (p.Tyr141Asn)

Gene: PRDM13 (PR/SET domain 13; plus strand). Cytogenetic location: 6q16.2.
Variant type: single nucleotide variant.
Coding change: c.421T>A on transcript NM_021620.4 (MANE Select); coding-DNA position 421, T replaced by A.
Protein change: p.Tyr141Asn; replaces tyrosine 141 with asparagine.
Molecular consequence: missense variant.
Genome position (GRCh38, 1-based): chr6:99,613,056, T>A. VCF-style: chr6-99613056-T-A. GRCh37 (hg19) VCF-style: chr6-100060932-T-A.
Other names: c.421T>A (NM_021620.3); short protein forms Y141N.
Identifiers: ClinVar variation 1515995 (VCV001515995.9), dbSNP rs371644111, ClinGen allele CA143974718.
Genomic context (GRCh38, chr6:99,613,056, plus strand): 5'-CTCTCACCGGGTCGCTTTTCCATTCTTTCTTGCCCAGGGGAGGAGCGCTACATCTGCTGG[T>A]ACTGCTGGAGGACGTTTAGATACCCCAACAGCCTTAAGGCACACCTGCGTTTCCACTGCG-3'
Protein context (NP_067633.2, residues 131-151): EKGEERYICW[Tyr141Asn]CWRTFRYPNS

ClinVar aggregate classification (germline): Uncertain significance. Review status: criteria provided, multiple submitters, no conflicts (2 of 4 stars). 2 submissions from 2 submitters: Uncertain significance (2). Last evaluated 2025-01-24.

Conditions:
Inborn genetic diseases. Identifiers: MedGen C0950123, MeSH D030342.

Allele frequency attached by ClinVar (database versions not stated): TOPMed 0.00002; ESP Exome Variant Server 0.00008; gnomAD exomes below 0.00001; gnomAD 0.00001.
gnomAD v4.1: 7 of 1,609,384 alleles (0.00043%); highest among the groups gnomAD compares: African/African-American, 0.0013%; no homozygotes.

Submissions (2):

Ambry Genetics
Classification: Uncertain significance for Inborn genetic diseases. Last evaluated: 2025-01-24. Review status: criteria provided, single submitter. Criteria: Ambry Variant Classification Scheme 2023. Collection method: clinical testing. Allele origin: germline.

Labcorp Genetics (formerly Invitae), Labcorp
Classification: Uncertain significance. Last evaluated: 2023-07-26. Review status: criteria provided, single submitter. Criteria: Invitae Variant Classification Sherloc (09022015). Collection method: clinical testing. Allele origin: germline.
Comment: In summary, the available evidence is currently insufficient to determine the role of this variant in disease. Therefore, it has been classified as a Variant of Uncertain Significance. An algorithm developed to predict the effect of missense changes on protein structure and function (PolyPhen-2) suggests that this variant is likely to be disruptive. ClinVar contains an entry for this variant (Variation ID: 1515995). This variant has not been reported in the literature in individuals affected with PRDM13-related conditions. This variant is not present in population databases (gnomAD no frequency). This sequence change replaces tyrosine, which is neutral and polar, with asparagine, which is neutral and polar, at codon 141 of the PRDM13 protein (p.Tyr141Asn).